The following is an entry in ClinVar:

ClinVar aggregate classification (germline): Uncertain significance (1 of 4 stars; one submission).

Submission:

Mayo Clinic Laboratories, Mayo Clinic
Classification: Uncertain significance. Last evaluated: 2024-12-11. Review status: criteria provided, single submitter. Criteria: ACMG Guidelines, 2015. Collection method: clinical testing. Allele origin: germline. Observed: 1 variant allele.
Comment: BP4_moderate, PM2_supporting

NM_015175.3(NBEAL2):c.155G>A (p.Gly52Asp)

Gene: NBEAL2 (neurobeachin like 2; plus strand). Cytogenetic location: 3p21.31.
Variant type: single nucleotide variant.
Coding change: c.155G>A on transcript NM_015175.3 (MANE Select); coding-DNA position 155, G replaced by A.
Protein change: p.Gly52Asp; replaces glycine 52 with aspartic acid.
Molecular consequence: missense variant.
Genome position (GRCh38, 1-based): chr3:46,988,856, G>A. VCF-style: chr3-46988856-G-A. GRCh37 (hg19) VCF-style: chr3-47030346-G-A.
Other names: p.Gly52Asp; c.134G>A, p.Gly45Asp (NM_001365116.2); short protein forms G52D, G45D.
Identifiers: ClinVar variation 4540859 (VCV004540859.1).